The following is an entry in ClinVar:

ClinVar aggregate classification (germline): Uncertain significance (1 of 4 stars; one submission).

Conditions:
Tuberous sclerosis 2 (TSC2). Identifiers: Orphanet 805, MedGen C1860707, MONDO:0013199, OMIM 613254.

Allele frequency attached by ClinVar (database versions not stated): gnomAD exomes below 0.00001; TOPMed below 0.00001.
gnomAD v4.1: 5 of 1,612,934 alleles (0.00031%); highest among the groups gnomAD compares: Non-Finnish European, 0.00034%; no homozygotes.

Submission:

Labcorp Genetics (formerly Invitae), Labcorp
Classification: Uncertain significance for Tuberous sclerosis 2. Last evaluated: 2024-03-21. Review status: criteria provided, single submitter. Criteria: Invitae Variant Classification Sherloc (09022015). Collection method: clinical testing. Allele origin: germline.
Comment: This sequence change replaces histidine, which is basic and polar, with tyrosine, which is neutral and polar, at codon 855 of the TSC2 protein (p.His855Tyr). This variant is not present in population databases (gnomAD no frequency). This variant has not been reported in the literature in individuals affected with TSC2-related conditions. ClinVar contains an entry for this variant (Variation ID: 1059528). Advanced modeling of protein sequence and biophysical properties (such as structural, functional, and spatial information, amino acid conservation, physicochemical variation, residue mobility, and thermodynamic stability) performed at Invitae indicates that this missense variant is not expected to disrupt TSC2 protein function with a negative predictive value of 95%. In summary, the available evidence is currently insufficient to determine the role of this variant in disease. Therefore, it has been classified as a Variant of Uncertain Significance.

NM_000548.5(TSC2):c.2563C>T (p.His855Tyr)

Gene: TSC2 (TSC complex subunit 2; plus strand). Cytogenetic location: 16p13.3.
Variant type: single nucleotide variant.
Coding change: c.2563C>T on transcript NM_000548.5 (MANE Select); coding-DNA position 2563, C replaced by T.
Protein change: p.His855Tyr; replaces histidine 855 with tyrosine.
Molecular consequence: missense variant.
Genome position (GRCh38, 1-based): chr16:2,075,816, C>T. VCF-style: chr16-2075816-C-T. GRCh37 (hg19) VCF-style: chr16-2125817-C-T.
Other names: c.2563C>T, p.His855Tyr (NM_001077183.3, NM_001114382.3, NM_001363528.2 and 3 more transcripts); c.2452C>T, p.His818Tyr (NM_001318827.2); c.2416C>T, p.His806Tyr (NM_001318829.2); c.1963C>T, p.His655Tyr (NM_001318831.2); c.2596C>T, p.His866Tyr (NM_001318832.2); short protein forms H655Y, H806Y, H818Y, H855Y, H866Y.
Identifiers: ClinVar variation 1059528 (VCV001059528.9), dbSNP rs2089259816, ClinGen allele CA394278323.
Genomic context (GRCh38, chr16:2,075,816, plus strand): 5'-CACGGGACCCCGGCTCCCCTGACCACCCTCTCCATTACCGCAGCTCTGGCCAGGCTGCCG[C>T]ACCTCTACAGGAACTTTGCCGCGGAGCAGTATGCCAGTGTGTTCGCCATCTCCCTGCCGT-3'
Protein context (NP_000539.2, residues 845-865): EFLSTLARLP[His855Tyr]LYRNFAAEQY